The following is an entry in ClinVar:

NM_000019.4(ACAT1):c.73-3C>T

Gene: ACAT1 (acetyl-CoA acetyltransferase 1; plus strand). Cytogenetic location: 11q22.3.
Variant type: single nucleotide variant.
Coding change: c.73-3C>T on transcript NM_000019.4 (MANE Select); 3 bases into the intron before coding-DNA position 73, C replaced by T.
Molecular consequence: intron variant.
Genome position (GRCh38, 1-based): chr11:108,131,904, C>T. VCF-style: chr11-108131904-C-T. GRCh37 (hg19) VCF-style: chr11-108002631-C-T.
Other names: c.-198-3C>T (NM_001386682.1, NM_001386681.1, NM_001386685.1 and 6 more transcripts); c.73-3C>T (NM_001386677.1, NM_001386678.1); c.-205-3C>T (NM_001386679.1).
Identifiers: ClinVar variation 3031996 (VCV003031996.3), dbSNP rs772341273, ClinGen allele CA6263001.
Genomic context (GRCh38, chr11:108,131,904, plus strand): 5'-AAATATAAAATGATATAGTTTAATATTTTTTACATTATAACATTATAAATATTTATATTA[C>T]AGGAAATAAGATATGTGGAACGGAGTTATGTATCAAAACCCACTTTGAAGGTAAGTAATT-3'

ClinVar aggregate classification (germline): Uncertain significance. Review status: criteria provided, single submitter (1 of 4 stars). 2 submissions from 2 submitters: Uncertain significance (1). 1 of the submissions does not count toward it. Last evaluated 2025-09-13.

Conditions:
ACAT1-related disorder. Also called: ACAT1-related condition.
Deficiency of acetyl-CoA acetyltransferase. Also called: 3-KETOTHIOLASE DEFICIENCY; 3-OXOTHIOLASE DEFICIENCY; Beta-ketothiolase deficiency; MITOCHONDRIAL ACETOACETYL-CoA THIOLASE DEFICIENCY. Identifiers: Orphanet 134, MedGen C1536500, MONDO:0008760, OMIM 203750. Disease mechanism: loss of function.

Allele frequency attached by ClinVar (database versions not stated): ExAC 0.00001; gnomAD exomes 0.00001; TOPMed 0.00001.
gnomAD v4.1: 6 of 1,307,664 alleles (0.00046%); highest among the groups gnomAD compares: South Asian, 0.0042%; no homozygotes.

Submissions (2):

Labcorp Genetics (formerly Invitae), Labcorp
Classification: Uncertain significance for Deficiency of acetyl-CoA acetyltransferase. Last evaluated: 2025-09-13. Review status: criteria provided, single submitter. Criteria: Invitae Variant Classification Sherloc (09022015). Collection method: clinical testing. Allele origin: germline.
Comment: This sequence change falls in intron 1 of the ACAT1 gene. It does not directly change the encoded amino acid sequence of the ACAT1 protein. It affects a nucleotide within the consensus splice site. This variant is present in population databases (rs772341273, gnomAD 0.008%). This variant has not been reported in the literature in individuals affected with ACAT1-related conditions. ClinVar contains an entry for this variant (Variation ID: 3031996). Variants that disrupt the consensus splice site are a relatively common cause of aberrant splicing (PMID: 17576681, 9536098). Algorithms developed to predict the effect of sequence changes on RNA splicing suggest that this variant is not likely to affect RNA splicing. In summary, the available evidence is currently insufficient to determine the role of this variant in disease. Therefore, it has been classified as a Variant of Uncertain Significance.

PreventionGenetics, part of Exact Sciences
Classification: Likely benign for ACAT1-related condition. Last evaluated: 2023-11-22. Review status: no assertion criteria provided. Collection method: clinical testing. Allele origin: germline. Not counted in ClinVar's aggregate classification.
Comment: This variant is classified as likely benign based on ACMG/AMP sequence variant interpretation guidelines (Richards et al. 2015 PMID: 25741868, with internal and published modifications).

Literature cited by the submitters: PubMed 17576681 (cited by Labcorp Genetics (formerly Invitae), Labcorp); PubMed 9536098 (cited by Labcorp Genetics (formerly Invitae), Labcorp).